The following is an entry in ClinVar:

ClinVar aggregate classification (germline): Uncertain significance (1 of 4 stars; one submission).

Conditions:
Hereditary cancer-predisposing syndrome. Also called: Neoplastic Syndromes, Hereditary; Tumor predisposition; Hereditary Cancer Syndrome; Hereditary neoplastic syndrome. Identifiers: Orphanet 140162, MedGen C0027672, MeSH D009386, MONDO:0015356.

Submission:

Ambry Genetics
Classification: Uncertain significance for Hereditary cancer-predisposing syndrome. Last evaluated: 2025-09-29. Review status: criteria provided, single submitter. Criteria: Ambry Variant Classification Scheme 2023. Collection method: clinical testing. Allele origin: germline.
Comment: The p.S701F variant (also known as c.2102C>T), located in coding exon 5 of the PALB2 gene, results from a C to T substitution at nucleotide position 2102. The serine at codon 701 is replaced by phenylalanine, an amino acid with highly dissimilar properties. This amino acid position is conserved. In addition, this alteration is predicted to be tolerated by in silico analysis. Based on the available evidence, the clinical significance of this variant remains unclear.

NM_024675.4(PALB2):c.2102C>T (p.Ser701Phe)

Gene: PALB2 (partner and localizer of BRCA2; minus strand). Cytogenetic location: 16p12.2.
Variant type: single nucleotide variant.
Coding change: c.2102C>T on transcript NM_024675.4 (MANE Select); coding-DNA position 2102, C replaced by T.
Protein change: p.Ser701Phe; replaces serine 701 with phenylalanine.
Molecular consequence: missense variant. On other transcripts: intron variant (1).
Genome position (GRCh38, 1-based): chr16:23,630,052, G>A on the plus strand (C>T on the coding strand, the complement: PALB2 is on the minus strand). VCF-style: chr16-23630052-G-A. GRCh37 (hg19) VCF-style: chr16-23641373-G-A.
Other names: c.2042C>T, p.Ser681Phe (NM_001407296.1); c.2102C>T, p.Ser701Phe (NM_001407297.1, NM_001407298.1, NM_001407299.1 and 3 more transcripts); c.1217C>T, p.Ser406Phe (NM_001407304.1, NM_001407305.1, NM_001407306.1 and 5 more transcripts); c.314C>T, p.Ser105Phe (NM_001407312.1, NM_001407313.1); c.49-777C>T (NM_001407314.1); short protein forms S681F, S701F, S105F, S406F.
Identifiers: ClinVar variation 4663686 (VCV004663686.1).